The following is an entry in ClinVar:

ClinVar aggregate classification (germline): Pathogenic (3 of 4 stars; one submission).

Conditions:
Breast-ovarian cancer, familial, susceptibility to, 2 (BROVCA2). Also called: BRCA2 Hereditary Breast and Ovarian Cancer. Identifiers: Orphanet 145, MedGen C2675520, MONDO:0012933, OMIM 612555. Disease mechanism: loss of function.

Submission:

Evidence-based Network for the Interpretation of Germline Mutant Alleles (ENIGMA)
Classification: Pathogenic for Breast-ovarian cancer, familial, susceptibility to, 2. Last evaluated: 2016-09-08. Review status: reviewed by expert panel. Criteria: ENIGMA BRCA1/2 Classification Criteria (2015). Collection method: curation. Allele origin: germline.
Comment: Variant allele predicted to encode a truncated non-functional protein.

NM_000059.4(BRCA2):c.8958dup (p.Leu2987fs)

Gene: BRCA2 (BRCA2 DNA repair associated; plus strand). Cytogenetic location: 13q13.1.
Variant type: Duplication.
Coding change: c.8958dup on transcript NM_000059.4 (MANE Select); coding-DNA position 8958, one base duplicated (A; older notation c.8958dupA).
Protein change: p.Leu2987fs; shifts the reading frame from leucine 2987.
Molecular consequence: frameshift variant.
Genome position (GRCh38, 1-based): chr13:32,379,754, A duplicated. VCF-style (leftmost placement, unchanged base first): chr13-32379753-T-TA. GRCh37 (hg19) VCF-style: chr13-32953890-T-TA.
Other names: c.8958dupA (NM_000059.3); short protein forms L2987fs.
Identifiers: ClinVar variation 254629 (VCV000254629.2), dbSNP rs886038188, ClinGen allele CA10586594.
Genomic context (GRCh38, chr13:32,379,753, plus strand): 5'-AACATTTAAATGATAATCACTTCTTCCATTGCATCTTTCTCATCTTTCTCCAAACAGTTA[T>TA]ACTGAGTATTTGGCGTCCATCATCAGATTTATATTCTCTGTTAACAGAAGGAAAGAGATA-3'